The following is an entry in ClinVar:

NM_015447.4(CAMSAP1):c.1128T>G (p.Pro376=)

Gene: CAMSAP1 (calmodulin regulated spectrin associated protein 1; minus strand). Cytogenetic location: 9q34.3.
Variant type: single nucleotide variant.
Coding change: c.1128T>G on transcript NM_015447.4 (MANE Select); coding-DNA position 1128, T replaced by G.
Protein change: p.Pro376=; no amino-acid change (proline 376 retained).
Molecular consequence: synonymous variant.
Genome position (GRCh38, 1-based): chr9:135,827,502, A>C on the plus strand (T>G on the coding strand, the complement: CAMSAP1 is on the minus strand). VCF-style: chr9-135827502-A-C. GRCh37 (hg19) VCF-style: chr9-138719348-A-C.
Other names: c.294T>G, p.Pro98= (NM_001411031.1); c.1161T>G, p.Pro387= (NM_001437279.1); c.696T>G, p.Pro232= (NM_001437280.1); c.531T>G, p.Pro177= (NM_001437281.1).
Identifiers: ClinVar variation 5040181 (VCV005040181.1).
Genomic context (GRCh38, chr9:135,827,502, plus strand): 5'-GTGACAGCCTTCCGCCGGCAGCTGCACGGGGGGCTGCAGCTCAGCCAGGGTCCCTGCAGC[A>C]GGGCTGCCTAGGAAACTGCGTTTGGTCGCGTTGGAGATCGGTACAGGAGGCCGGCTGCTC-3'
Protein context (NP_056262.3, residues 366-386): NATKRSFLGS[Pro376=]AAGTLAELQP

ClinVar aggregate classification (germline): Likely benign (1 of 4 stars; one submission).

Submission:

CeGaT Center for Human Genetics Tuebingen
Classification: Likely benign. Last evaluated: 2026-07-01. Review status: criteria provided, single submitter. Criteria: CeGaT Center For Human Genetics Tuebingen Variant Classification Criteria Version 2. Collection method: clinical testing. Allele origin: germline. Affected: yes. Observed: 1 variant allele.
Comment: CAMSAP1: PM2:Supporting, BP4, BP7